The following is an entry in ClinVar:

NM_201550.4(LRRC10):c.761G>A (p.Arg254His)

Gene: LRRC10 (leucine rich repeat containing 10; minus strand). Cytogenetic location: 12q15.
Variant type: single nucleotide variant.
Coding change: c.761G>A on transcript NM_201550.4 (MANE Select); coding-DNA position 761, G replaced by A.
Protein change: p.Arg254His; replaces arginine 254 with histidine.
Molecular consequence: missense variant.
Genome position (GRCh38, 1-based): chr12:69,610,078, C>T on the plus strand (G>A on the coding strand, the complement: LRRC10 is on the minus strand). VCF-style: chr12-69610078-C-T. GRCh37 (hg19) VCF-style: chr12-70003858-C-T.
Other names: c.761G>A (NM_201550.2); short protein forms R254H.
Identifiers: ClinVar variation 544367 (VCV000544367.9), dbSNP rs780649377, ClinGen allele CA6681001.

ClinVar aggregate classification (germline): Uncertain significance. Review status: criteria provided, multiple submitters, no conflicts (2 of 4 stars). 2 submissions from 2 submitters: Uncertain significance (2). Last evaluated 2025-11-17.

Allele frequency attached by ClinVar (database versions not stated): ExAC 0.00010; gnomAD 0.00001; TOPMed 0.00003.

Submissions (2):

Labcorp Genetics (formerly Invitae), Labcorp
Classification: Uncertain significance. Last evaluated: 2025-11-17. Review status: criteria provided, single submitter. Criteria: Invitae Variant Classification Sherloc (09022015). Collection method: clinical testing. Allele origin: germline.
Comment: This sequence change replaces arginine, which is basic and polar, with histidine, which is basic and polar, at codon 254 of the LRRC10 protein (p.Arg254His). This variant is present in population databases (rs780649377, gnomAD 0.04%), and has an allele count higher than expected for a pathogenic variant. This variant has not been reported in the literature in individuals affected with LRRC10-related conditions. ClinVar contains an entry for this variant (Variation ID: 544367). An algorithm developed to predict the effect of missense changes on protein structure and function (PolyPhen-2) suggests that this variant is likely to be disruptive. In summary, the available evidence is currently insufficient to determine the role of this variant in disease. Therefore, it has been classified as a Variant of Uncertain Significance.

Ambry Genetics
Classification: Uncertain significance. Last evaluated: 2025-10-15. Review status: criteria provided, single submitter. Criteria: Ambry Variant Classification Scheme 2023. Collection method: clinical testing. Allele origin: germline.